The following is an entry in ClinVar:

NM_000077.5(CDKN2A):c.325G>T (p.Ala109Ser)

Gene: CDKN2A (cyclin dependent kinase inhibitor 2A; minus strand). Cytogenetic location: 9p21.3.
Variant type: single nucleotide variant.
Coding change: c.325G>T on transcript NM_000077.5; coding-DNA position 325, G replaced by T.
Protein change: p.Ala109Ser; replaces alanine 109 with serine.
Molecular consequence: missense variant (on NM_000077.6). On other transcripts: 3 prime UTR variant (1).
Genome position (GRCh38, 1-based): chr9:21,971,034, C>A on the plus strand (G>T on the coding strand, the complement: CDKN2A is on the minus strand). VCF-style: chr9-21971034-C-A. GRCh37 (hg19) VCF-style: chr9-21971033-C-A.
Other names: c.325G>T, p.Ala109Ser (NM_000077.6, NM_001195132.2); c.172G>T, p.Ala58Ser (NM_001363763.2); c.368G>T, p.Cys123Phe (NM_058195.4); c.*248G>T (NM_058197.5); short protein forms C123F, A109S, A58S.
Identifiers: ClinVar variation 628079 (VCV000628079.15), dbSNP rs372481694, ClinGen allele CA373086055.
Genomic context (GRCh38, chr9:21,971,034, plus strand): 5'-ACCGTGCGACATCGCGATGGCCCAGCTCCTCAGCCAGGTCCACGGGCAGACGGCCCCAGG[C>A]ATCGCGCACGTCCAGCCGCGCCCCGGCCCGGTGCAGCACCACCAGCGTGTCCAGGAAGCC-3'
Protein context (NP_000068.1, residues 99-119): RAGARLDVRD[Ala109Ser]WGRLPVDLAE

ClinVar aggregate classification (germline): Uncertain significance. Review status: criteria provided, multiple submitters, no conflicts (2 of 4 stars). 3 submissions from 3 submitters: Uncertain significance (3). Last evaluated 2025-09-01.

Conditions:
Hereditary cancer-predisposing syndrome. Also called: Tumor predisposition; Neoplastic Syndromes, Hereditary; Hereditary Cancer Syndrome; Hereditary neoplastic syndrome. Identifiers: Orphanet 140162, MedGen C0027672, MeSH D009386, MONDO:0015356.
Familial melanoma. Also called: Hereditary melanoma; Hereditary cutaneous melanoma. Identifiers: Orphanet 618, MedGen C1512419, MONDO:0018961.

Submissions (3):

Labcorp Genetics (formerly Invitae), Labcorp
Classification: Uncertain significance for Familial melanoma. Last evaluated: 2025-09-01. Review status: criteria provided, single submitter. Criteria: Invitae Variant Classification Sherloc (09022015). Collection method: clinical testing. Allele origin: germline.
Comment: The CDKN2A gene encodes two different proteins, p16INK4a and p14ARF, which are translated from alternative transcripts with different open reading frames. Both transcripts have been analyzed. We report either the variant with the higher classification or default to the CDKN2A (p16INK4a) variant. This report therefore includes the details for the CDKN2A (p16INK4a) variant. This sequence change replaces alanine, which is neutral and non-polar, with serine, which is neutral and polar, at codon 109 of the CDKN2A (p16INK4a) protein (p.Ala109Ser). This variant is not present in population databases (gnomAD no frequency). This missense change has been observed in individual(s) with melanoma (PMID: 28830923). This variant is also known as c.368G>T (p.Cys123Phe) in the CDKN2A (p14ARF) transcript. ClinVar contains an entry for this variant (Variation ID: 628079). An algorithm developed to predict the effect of missense changes on protein structure and function (PolyPhen-2) suggests that this variant is likely to be tolerated. Experimental studies have shown that this missense change does not substantially affect CDKN2A (p16INK4a) function (PMID: 12606942). In summary, the available evidence is currently insufficient to determine the role of this variant in disease. Therefore, it has been classified as a Variant of Uncertain Significance.

Ambry Genetics
Classification: Uncertain significance for Hereditary cancer-predisposing syndrome. Last evaluated: 2024-01-30. Review status: criteria provided, single submitter. Criteria: Ambry Variant Classification Scheme 2023. Collection method: clinical testing. Allele origin: germline.
Comment: The p.A109S variant (also known as c.325G>T), located in coding exon 2 of the CDKN2A gene, results from a G to T substitution at nucleotide position 325. The alanine at codon 109 is replaced by serine, an amino acid with similar properties. This amino acid position is not well conserved in available vertebrate species. In addition, the in silico prediction for this alteration is inconclusive. Based on the available evidence, the clinical significance of this alteration remains unclear.

Color Diagnostics, LLC DBA Color Health
Classification: Uncertain significance for Hereditary cancer-predisposing syndrome. Last evaluated: 2018-09-30. Review status: criteria provided, single submitter. Criteria: ACMG Guidelines, 2015. Collection method: clinical testing. Allele origin: germline.

Literature cited by the submitters: PubMed 28830923 (cited by Labcorp Genetics (formerly Invitae), Labcorp and Ambry Genetics); PubMed 12606942 (cited by Labcorp Genetics (formerly Invitae), Labcorp and Ambry Genetics).